The following is an entry in ClinVar:

NM_001004728.2(OR5A1):c.547G>A (p.Asp183Asn)

Gene: OR5A1 (olfactory receptor family 5 subfamily A member 1; plus strand). Cytogenetic location: 11q12.1.
Variant type: single nucleotide variant.
Coding change: c.547G>A on transcript NM_001004728.2 (MANE Select); coding-DNA position 547, G replaced by A.
Protein change: p.Asp183Asn; replaces aspartic acid 183 with asparagine.
Molecular consequence: missense variant.
Genome position (GRCh38, 1-based): chr11:59,443,715, G>A. VCF-style: chr11-59443715-G-A. GRCh37 (hg19) VCF-style: chr11-59211188-G-A.
Other names: short protein forms D183N.
Identifiers: ClinVar variation 1245803 (VCV001245803.3), dbSNP rs6591536, ClinGen allele CA6018375.

ClinVar aggregate classification (germline): Benign. Review status: criteria provided, multiple submitters, no conflicts (2 of 4 stars). 2 submissions from 2 submitters: Benign (2). Last evaluated 2020-07-15.

Allele frequency attached by ClinVar (database versions not stated): TOPMed 0.60151; gnomAD 0.60674 and 0.61343; ESP Exome Variant Server 0.60760; 1000 Genomes Project 30x 0.62601; 1000 Genomes Project 0.63538; gnomAD exomes 0.65833 and 0.66795; ExAC 0.66002.
gnomAD v4.1: 1,069,881 of 1,613,526 alleles (66%); highest among the groups gnomAD compares: South Asian, 74%; 357,489 homozygotes.

Submissions (2):

GeneDx
Classification: Benign. Last evaluated: 2020-07-15. Review status: criteria provided, single submitter. Criteria: GeneDx Variant Classification Process June 2021. Collection method: clinical testing. Allele origin: germline. Affected: yes.
Comment: This variant is associated with the following publications: (PMID: 23910657)

Breakthrough Genomics
Classification: Benign. Review status: criteria provided, single submitter. Criteria: ACMG Guidelines, 2015. Collection method: not provided. Allele origin: germline. Inheritance: Unknown mechanism. Affected: yes.